The following is an entry in ClinVar:

ClinVar aggregate classification (germline): Pathogenic (1 of 4 stars; one submission).

Submission:

Labcorp Genetics (formerly Invitae), Labcorp
Classification: Pathogenic. Last evaluated: 2021-12-18. Review status: criteria provided, single submitter. Criteria: Invitae Variant Classification Sherloc (09022015). Collection method: clinical testing. Allele origin: germline.
Comment: For these reasons, this variant has been classified as Pathogenic. This variant has not been reported in the literature in individuals affected with GFM1-related conditions. This variant is not present in population databases (gnomAD no frequency). This sequence change creates a premature translational stop signal (p.Val492Leufs*59) in the GFM1 gene. It is expected to result in an absent or disrupted protein product. Loss-of-function variants in GFM1 are known to be pathogenic (PMID: 16632485, 17160893).

Literature cited by the submitters: PubMed 16632485; PubMed 17160893.

NM_024996.7(GFM1):c.1474_1480del (p.Val492fs)

Gene: GFM1 (G elongation factor mitochondrial 1; plus strand). Cytogenetic location: 3q25.32.
Variant type: Deletion.
Coding change: c.1474_1480del on transcript NM_024996.7 (MANE Select); coding-DNA positions 1474 to 1480, 7 bases deleted (GTTATAT; older notation c.1474_1480delGTTATAT).
Protein change: p.Val492fs; shifts the reading frame from valine 492.
Molecular consequence: frameshift variant. On other transcripts: non-coding transcript variant (4).
Genome position (GRCh38, 1-based): chr3:158,665,430-158,665,436, GTTATAT deleted. VCF-style (leftmost placement, unchanged base first): chr3-158665429-AGTTATAT-A. GRCh37 (hg19) VCF-style: chr3-158383218-AGTTATAT-A.
Other names: c.1531_1537del, p.Val511fs (NM_001308164.2); c.1474_1480del, p.Val492fs (NM_001308166.2); c.1393_1399del, p.Val465fs (NM_001374355.1); c.1357_1363del, p.Val453fs (NM_001374356.1); c.1249_1255del, p.Val417fs (NM_001374357.1); c.1015_1021del, p.Val339fs (NM_001374358.1); c.907_913del, p.Val303fs (NM_001374359.1, NM_001374360.1); c.790_796del, p.Val264fs (NM_001374361.1); short protein forms V417fs, V264fs, V339fs, V453fs, V465fs, V303fs, V511fs, V492fs.
Identifiers: ClinVar variation 2046755 (VCV002046755.4), dbSNP rs2474007358, ClinGen allele CA2580068991.
Genomic context (GRCh38, chr3:158,665,429, plus strand): 5'-CAGGTTTACAAGAGAAGATCCCACATTTAAAGTATACTTTGACACTGAGAACAAAGAGAC[AGTTATAT>A]CTGGAATGGGAGAATTACACCTGGAAATCTATGCTCAGGTAATGAATAATAAGGAAGTTA-3'